The following is an entry in ClinVar:

NM_000088.4(COL1A1):c.4134C>G (p.Asp1378Glu)

Gene: COL1A1 (collagen type I alpha 1 chain; minus strand). Cytogenetic location: 17q21.33.
Variant type: single nucleotide variant.
Coding change: c.4134C>G on transcript NM_000088.4 (MANE Select); coding-DNA position 4134, C replaced by G.
Protein change: p.Asp1378Glu; replaces aspartic acid 1378 with glutamic acid.
Molecular consequence: missense variant.
Genome position (GRCh38, 1-based): chr17:50,185,892, G>C on the plus strand (C>G on the coding strand, the complement: COL1A1 is on the minus strand). VCF-style: chr17-50185892-G-C. GRCh37 (hg19) VCF-style: chr17-48263253-G-C.
Other names: short protein forms D1378E.
Identifiers: ClinVar variation 4809750 (VCV004809750.1).

ClinVar aggregate classification (germline): Uncertain significance (1 of 4 stars; one submission).

Conditions:
Osteogenesis imperfecta type I (OI1). Also called: Lobstein disease; Classic Non-deforming Osteogenesis Imperfecta with Blue Sclerae; OI, TYPE I; OSTEOGENESIS IMPERFECTA TARDA; OSTEOGENESIS IMPERFECTA WITH BLUE SCLERAE; Osteogenesis imperfecta type 1. Identifiers: Orphanet 216796, Orphanet 666, MedGen C0023931, MONDO:0008146, OMIM 166200. Disease mechanism: loss of function.

gnomAD v4.1: 1 of 1,614,156 alleles (0.000062%); highest among the groups gnomAD compares: Non-Finnish European, 0.000085%; no homozygotes.

Submission:

Labcorp Genetics (formerly Invitae), Labcorp
Classification: Uncertain significance for Osteogenesis imperfecta type I. Last evaluated: 2025-05-13. Review status: criteria provided, single submitter. Criteria: Invitae Variant Classification Sherloc (09022015). Collection method: clinical testing. Allele origin: germline.
Comment: This sequence change replaces aspartic acid, which is acidic and polar, with glutamic acid, which is acidic and polar, at codon 1378 of the COL1A1 protein (p.Asp1378Glu). This variant is not present in population databases (gnomAD no frequency). This variant has not been reported in the literature in individuals affected with COL1A1-related conditions. Invitae Evidence Modeling of protein sequence and biophysical properties (such as structural, functional, and spatial information, amino acid conservation, physicochemical variation, residue mobility, and thermodynamic stability) has been performed for this missense variant. However, the output from this modeling did not meet the statistical confidence thresholds required to predict the impact of this variant on COL1A1 protein function. In summary, the available evidence is currently insufficient to determine the role of this variant in disease. Therefore, it has been classified as a Variant of Uncertain Significance.